The following is an entry in ClinVar:

NM_015354.3(NUP188):c.1075A>T (p.Thr359Ser)

Gene: NUP188 (nucleoporin 188; plus strand). Cytogenetic location: 9q34.11.
Variant type: single nucleotide variant.
Coding change: c.1075A>T on transcript NM_015354.3 (MANE Select); coding-DNA position 1075, A replaced by T.
Protein change: p.Thr359Ser; replaces threonine 359 with serine.
Molecular consequence: missense variant.
Genome position (GRCh38, 1-based): chr9:128,970,920, A>T. VCF-style: chr9-128970920-A-T. GRCh37 (hg19) VCF-style: chr9-131733199-A-T.
Other names: c.1075A>T (NM_015354.1); short protein forms T359S.
Identifiers: ClinVar variation 2662431 (VCV002662431.2), dbSNP rs199628868, ClinGen allele CA5272189.

ClinVar aggregate classification (germline): Uncertain significance. Review status: criteria provided, multiple submitters, no conflicts (2 of 4 stars). 2 submissions from 2 submitters: Uncertain significance (2). Last evaluated 2023-12-17.

Conditions:
Inborn genetic diseases. Identifiers: MedGen C0950123, MeSH D030342.

Allele frequency attached by ClinVar (database versions not stated): gnomAD 0.00005; ExAC 0.00009; TOPMed 0.00009.
gnomAD v4.1: 150 of 1,613,846 alleles (0.0093%); highest among the groups gnomAD compares: Non-Finnish European, 0.012%; 1 homozygote.

Submissions (2):

Ambry Genetics
Classification: Uncertain significance for Inborn genetic diseases. Last evaluated: 2023-12-17. Review status: criteria provided, single submitter. Criteria: Ambry Variant Classification Scheme 2023. Collection method: clinical testing. Allele origin: germline.

GeneDx
Classification: Uncertain significance. Last evaluated: 2023-05-02. Review status: criteria provided, single submitter. Criteria: GeneDx Variant Classification Process June 2021. Collection method: clinical testing. Allele origin: germline. Affected: yes.
Comment: In silico analysis supports that this missense variant does not alter protein structure/function; Has not been previously published as pathogenic or benign to our knowledge